The following is an entry in ClinVar:

ClinVar aggregate classification (germline): Uncertain significance (1 of 4 stars; one submission).

Conditions:
Psoriasis 2. Identifiers: MedGen C1864497, MONDO:0011269, OMIM 602723.
Pityriasis rubra pilaris (PRP). Also called: Pityriasis rubra pilaris--familial type. Identifiers: Orphanet 2897, MedGen C0032027, MONDO:0100017, OMIM 173200, MONDO:0008251.

Allele frequency attached by ClinVar (database versions not stated): TOPMed below 0.00001.

Submission:

Labcorp Genetics (formerly Invitae), Labcorp
Classification: Uncertain significance for Pityriasis rubra pilaris; Psoriasis 2. Last evaluated: 2021-04-17. Review status: criteria provided, single submitter. Criteria: Invitae Variant Classification Sherloc (09022015). Collection method: clinical testing. Allele origin: germline.
Comment: In summary, the available evidence is currently insufficient to determine the role of this variant in disease. Therefore, it has been classified as a Variant of Uncertain Significance. Algorithms developed to predict the effect of missense changes on protein structure and function (SIFT, PolyPhen-2, Align-GVGD) all suggest that this variant is likely to be tolerated, but these predictions have not been confirmed by published functional studies and their clinical significance is uncertain. This variant has not been reported in the literature in individuals with CARD14-related conditions. This variant is not present in population databases (ExAC no frequency). This sequence change replaces glutamic acid with lysine at codon 324 of the CARD14 protein (p.Glu324Lys). The glutamic acid residue is moderately conserved and there is a small physicochemical difference between glutamic acid and lysine.

NM_001366385.1(CARD14):c.970G>A (p.Glu324Lys)

Gene: CARD14 (caspase recruitment domain family member 14; plus strand). Cytogenetic location: 17q25.3.
Variant type: single nucleotide variant.
Coding change: c.970G>A on transcript NM_001366385.1 (MANE Select); coding-DNA position 970, G replaced by A.
Protein change: p.Glu324Lys; replaces glutamic acid 324 with lysine.
Molecular consequence: missense variant.
Genome position (GRCh38, 1-based): chr17:80,190,780, G>A. VCF-style: chr17-80190780-G-A. GRCh37 (hg19) VCF-style: chr17-78164579-G-A.
Other names: c.970G>A, p.Glu324Lys (NM_001257970.1, NM_024110.4); c.259G>A, p.Glu87Lys (NM_052819.3); short protein forms E324K, E87K.
Identifiers: ClinVar variation 1505227 (VCV001505227.8), dbSNP rs2040500502, ClinGen allele CA401344641.